The following is an entry in ClinVar:

ClinVar aggregate classification (germline): Uncertain significance (1 of 4 stars; one submission).

Conditions:
Immunodeficiency, common variable, 2 (CVID2). Also called: HYPOGAMMAGLOBULINEMIA DUE TO TACI DEFICIENCY; ANTIBODY DEFICIENCY DUE TO TACI DEFECT. Identifiers: Orphanet 1572, MedGen C3150354, MONDO:0009413, OMIM 240500.

Submission:

Labcorp Genetics (formerly Invitae), Labcorp
Classification: Uncertain significance for Immunodeficiency, common variable, 2. Last evaluated: 2022-02-02. Review status: criteria provided, single submitter. Criteria: Invitae Variant Classification Sherloc (09022015). Collection method: clinical testing. Allele origin: germline.
Comment: This variant is not present in population databases (gnomAD no frequency). This sequence change falls in intron 2 of the TNFRSF13B gene. It does not directly change the encoded amino acid sequence of the TNFRSF13B protein. It affects a nucleotide within the consensus splice site. This variant has not been reported in the literature in individuals affected with TNFRSF13B-related conditions. Variants that disrupt the consensus splice site are a relatively common cause of aberrant splicing (PMID: 17576681, 9536098). Algorithms developed to predict the effect of sequence changes on RNA splicing suggest that this variant may disrupt the consensus splice site. In summary, the available evidence is currently insufficient to determine the role of this variant in disease. Therefore, it has been classified as a Variant of Uncertain Significance.

Literature cited by the submitters: PubMed 17576681; PubMed 9536098.

NM_012452.3(TNFRSF13B):c.199+5G>C

Gene: TNFRSF13B (TNF receptor superfamily member 13B; minus strand). Cytogenetic location: 17p11.2.
Variant type: single nucleotide variant.
Coding change: c.199+5G>C on transcript NM_012452.3 (MANE Select); 5 bases into the intron after coding-DNA position 199, G replaced by C.
Molecular consequence: intron variant.
Genome position (GRCh38, 1-based): chr17:16,952,441, C>G on the plus strand (G>C on the coding strand, the complement: TNFRSF13B is on the minus strand). VCF-style: chr17-16952441-C-G. GRCh37 (hg19) VCF-style: chr17-16855755-C-G.
Identifiers: ClinVar variation 2092158 (VCV002092158.4), dbSNP rs2087595252, ClinGen allele CA2580092606.